The following is an entry in ClinVar:

ClinVar aggregate classification (germline): Uncertain significance (1 of 4 stars; one submission).

gnomAD v4.1: 5 of 1,612,454 alleles (0.00031%); highest among the groups gnomAD compares: Middle Eastern, 0.016%; no homozygotes.

Submission:

Labcorp Genetics (formerly Invitae), Labcorp
Classification: Uncertain significance. Last evaluated: 2025-09-25. Review status: criteria provided, single submitter. Criteria: Invitae Variant Classification Sherloc (09022015). Collection method: clinical testing. Allele origin: germline.
Comment: This sequence change replaces alanine, which is neutral and non-polar, with proline, which is neutral and non-polar, at codon 963 of the COL4A3 protein (p.Ala963Pro). This variant is not present in population databases (gnomAD no frequency). This variant has not been reported in the literature in individuals affected with COL4A3-related conditions. Invitae Evidence Modeling of protein sequence and biophysical properties (such as structural, functional, and spatial information, amino acid conservation, physicochemical variation, residue mobility, and thermodynamic stability) indicates that this missense variant is not expected to disrupt COL4A3 protein function with a negative predictive value of 95%. In summary, the available evidence is currently insufficient to determine the role of this variant in disease. Therefore, it has been classified as a Variant of Uncertain Significance.

NM_000091.5(COL4A3):c.2887G>C (p.Ala963Pro)

Genes: COL4A3 (collagen type IV alpha 3 chain; plus strand), MFF-DT (MFF divergent transcript; minus strand). Cytogenetic location: 2q36.3.
Variant type: single nucleotide variant.
Coding change: c.2887G>C on transcript NM_000091.5 (MANE Select); coding-DNA position 2887, G replaced by C.
Protein change: p.Ala963Pro; replaces alanine 963 with proline.
Molecular consequence: missense variant.
Genome position (GRCh38, 1-based): chr2:227,289,155, G>C. VCF-style: chr2-227289155-G-C. GRCh37 (hg19) VCF-style: chr2-228153871-G-C.
Other names: short protein forms A963P.
Identifiers: ClinVar variation 4749552 (VCV004749552.1).